The following is an entry in ClinVar:

ClinVar aggregate classification (germline): Uncertain significance (1 of 4 stars; one submission).

Submission:

Dasa
Classification: Uncertain significance. Last evaluated: 2026-07-07. Review status: criteria provided, single submitter. Criteria: DASA Assertion Criteria. Collection method: clinical testing. Allele origin: germline.
Comment: NM_001364929.1(ECPAS):c.2918T>C (p.Val973Ala) is a missense variant that results in the substitution of valine with alanine. This variant is rare in population databases. The currently available literature and clinical evidence are not sufficient to establish a definitive association between this variant and the reported condition. Therefore, this variant is classified as a variant of uncertain significance.

NM_001364929.1(ECPAS):c.2918T>C (p.Val973Ala)

Gene: ECPAS (Ecm29 proteasome adaptor and scaffold; minus strand). Cytogenetic location: 9q31.3.
Variant type: single nucleotide variant.
Coding change: c.2918T>C on transcript NM_001364929.1 (MANE Select); coding-DNA position 2918, T replaced by C.
Protein change: p.Val973Ala; replaces valine 973 with alanine.
Molecular consequence: missense variant.
Genome position (GRCh38, 1-based): chr9:111,394,164, A>G on the plus strand (T>C on the coding strand, the complement: ECPAS is on the minus strand). VCF-style: chr9-111394164-A-G. GRCh37 (hg19) VCF-style: chr9-114156444-A-G.
Other names: c.2918T>C, p.Val973Ala (NM_001363756.2, NM_001364930.1); c.2936T>C, p.Val979Ala (NM_001364931.1); short protein forms V973A, V979A.
Identifiers: ClinVar variation 5020229 (VCV005020229.1).